The following is an entry in ClinVar:

NM_005141.5(FGB):c.-6G>A

Gene: FGB (fibrinogen beta chain; plus strand). Cytogenetic location: 4q31.3.
Variant type: single nucleotide variant.
Coding change: c.-6G>A on transcript NM_005141.5 (MANE Select); 6 bases upstream of the start codon, G replaced by A.
Molecular consequence: 5 prime UTR variant.
Genome position (GRCh38, 1-based): chr4:154,563,013, G>A. VCF-style: chr4-154563013-G-A. GRCh37 (hg19) VCF-style: chr4-155484165-G-A.
Other names: c.-6G>A (NM_001184741.1, NM_001382759.1, NM_001382760.1 and 5 more transcripts).
Identifiers: ClinVar variation 3384779 (VCV003384779.1).

ClinVar aggregate classification (germline): Uncertain significance (1 of 4 stars; one submission).

Submission:

Women's Health and Genetics/Laboratory Corporation of America, LabCorp
Classification: Uncertain significance. Last evaluated: 2024-10-30. Review status: criteria provided, single submitter. Criteria: LabCorp Variant Classification Summary - May 2015. Collection method: clinical testing. Allele origin: germline.
Comment: Variant summary: FGB c.-6G>A is located in the untranslated mRNA region upstream of the initiation codon. The variant allele was found at a frequency of 1.2e-05 in 171666 control chromosomes. The available data on variant occurrences in the general population are insufficient to allow any conclusion about variant significance. To our knowledge, no occurrence of c.-6G>A in individuals affected with Afibrinogenemia, Congenital and no experimental evidence demonstrating its impact on protein function have been reported. No submitters have cited clinical-significance assessments for this variant to ClinVar. Based on the evidence outlined above, the variant was classified as uncertain significance.